The following is an entry in ClinVar:

ClinVar aggregate classification (germline): Conflicting classifications of pathogenicity. Review status: criteria provided, conflicting classifications (1 of 4 stars). 6 submissions from 6 submitters: Uncertain significance (2); Likely benign (4). Last evaluated 2026-01-27.

Conditions:
Heterotopia, periventricular, X-linked dominant (PVNH1). Also called: X-linked periventricular heterotopia; PERIVENTRICULAR NODULAR HETEROTOPIA 1; PERIVENTRICULAR NODULAR HETEROTOPIA 4; HETEROTOPIA, PERIVENTRICULAR, 1. Identifiers: Orphanet 2149, Orphanet 82004, MedGen C1848213, MONDO:0010233, OMIM 300049.
Melnick-Needles syndrome (MNS). Also called: Melnick-Needles Syndrome (FLNA-MNS); MELNICK-NEEDLES OSTEODYSPLASTY; OSTEODYSPLASTY OF MELNICK AND NEEDLES. Identifiers: Orphanet 2484, MedGen C0025237, MONDO:0010650, OMIM 309350.
Frontometaphyseal dysplasia (FMD1). Identifiers: Orphanet 1826, MedGen C0265293, MONDO:0015942.
Oto-palato-digital syndrome, type II (OPD2). Also called: Otopalatodigital Syndrome, Type II; Otopalatodigital Syndrome Type 2 (FLNA-OPD2); FACIOPALATOOSSEOUS SYNDROME; OPD II SYNDROME. Identifiers: Orphanet 669, Orphanet 90652, MedGen C1844696, MONDO:0010571, OMIM 304120.
Familial thoracic aortic aneurysm and aortic dissection (TAAD). Also called: Thoracic aortic aneurysms and dissections. Identifiers: Orphanet 91387, MedGen C4707243, MONDO:0019625.

Allele frequency attached by ClinVar (database versions not stated): ExAC 0.00003; gnomAD exomes 0.00003 and 0.00004; TOPMed 0.00004; gnomAD 0.00005; ESP Exome Variant Server 0.00010; 1000 Genomes Project 30x 0.00021; 1000 Genomes Project 0.00026.
gnomAD v4.1: 42 of 1,211,426 alleles (0.0035%); highest among the groups gnomAD compares: South Asian, 0.016%; no homozygotes.

Submissions (6):

Labcorp Genetics (formerly Invitae), Labcorp
Classification: Likely benign for Oto-palato-digital syndrome, type II; Heterotopia, periventricular, X-linked dominant; Frontometaphyseal dysplasia; Melnick-Needles syndrome. Last evaluated: 2026-01-27. Review status: criteria provided, single submitter. Criteria: Invitae Variant Classification Sherloc (09022015). Collection method: clinical testing. Allele origin: germline.

Women's Health and Genetics/Laboratory Corporation of America, LabCorp
Classification: Uncertain significance. Last evaluated: 2025-09-30. Review status: criteria provided, single submitter. Criteria: LabCorp Variant Classification Summary - May 2015. Collection method: clinical testing. Allele origin: germline.
Comment: Variant summary: FLNA c.7564G>A (p.Val2522Ile) results in a conservative amino acid change in the encoded protein sequence. Algorithms developed to predict the effect of missense changes on protein structure and function are either unavailable or do not agree on the potential impact of this missense change. The variant allele was found at a frequency of 4.4e-05 in 181284 control chromosomes (gnomAD). The available data on variant occurrences in the general population are insufficient to allow any conclusion about variant significance. To our knowledge, no occurrence of c.7564G>A in individuals affected with FLNA-related conditions and no experimental evidence demonstrating its impact on protein function have been reported. ClinVar contains an entry for this variant (Variation ID: 698352). Based on the evidence outlined above, the variant was classified as uncertain significance.

Ambry Genetics
Classification: Likely benign for Familial thoracic aortic aneurysm and aortic dissection. Last evaluated: 2025-06-20. Review status: criteria provided, single submitter. Criteria: Ambry Variant Classification Scheme 2023. Collection method: clinical testing. Allele origin: germline.

Blueprint Genetics
Classification: Likely benign. Last evaluated: 2024-02-14. Review status: criteria provided, single submitter. Criteria: ACMG Guidelines, 2015. Collection method: clinical testing. Allele origin: germline.

CeGaT Center for Human Genetics Tuebingen
Classification: Likely benign. Last evaluated: 2024-01-01. Review status: criteria provided, single submitter. Criteria: CeGaT Center For Human Genetics Tuebingen Variant Classification Criteria Version 2. Collection method: clinical testing. Allele origin: germline. Affected: yes. Observed: 1 variant allele.
Comment: FLNA: BS2

Mayo Clinic Laboratories, Mayo Clinic
Classification: Uncertain significance. Last evaluated: 2023-11-24. Review status: criteria provided, single submitter. Criteria: ACMG Guidelines, 2015. Collection method: clinical testing. Allele origin: germline. Observed: 1 variant allele.

NM_001110556.2(FLNA):c.7564G>A (p.Val2522Ile)

Genes: FLNA (filamin A; minus strand), LOC107988032 (Xq28 proximal FLNA-EMD recombination region; plus strand). Cytogenetic location: Xq28.
Variant type: single nucleotide variant.
Coding change: c.7564G>A on transcript NM_001110556.2 (MANE Select); coding-DNA position 7564, G replaced by A.
Protein change: p.Val2522Ile; replaces valine 2522 with isoleucine.
Molecular consequence: missense variant.
Genome position (GRCh38, 1-based): chrX:154,349,554, C>T on the plus strand (G>A on the coding strand, the complement: FLNA is on the minus strand). VCF-style: chrX-154349554-C-T. GRCh37 (hg19) VCF-style: chrX-153577922-C-T.
Other names: p.Val2514Ile; c.7540G>A, p.Val2514Ile (NM_001456.4); short protein forms V2522I, V2514I.
Identifiers: ClinVar variation 698352 (VCV000698352.34), dbSNP rs187774579, ClinGen allele CA10559866.